The following is an entry in ClinVar:

NM_005861.4(STUB1):c.395G>A (p.Gly132Glu)

Gene: STUB1 (STIP1 homology and U-box containing protein 1; plus strand). Cytogenetic location: 16p13.3.
Variant type: single nucleotide variant.
Coding change: c.395G>A on transcript NM_005861.4 (MANE Select); coding-DNA position 395, G replaced by A.
Protein change: p.Gly132Glu; replaces glycine 132 with glutamic acid.
Molecular consequence: missense variant.
Genome position (GRCh38, 1-based): chr16:681,474, G>A. VCF-style: chr16-681474-G-A. GRCh37 (hg19) VCF-style: chr16-731474-G-A.
Other names: c.179G>A, p.Gly60Glu (NM_001293197.2); short protein forms G132E, G60E.
Identifiers: ClinVar variation 1714472 (VCV001714472.5), dbSNP rs2543805086, ClinGen allele CA394112062.

ClinVar aggregate classification (germline): Uncertain significance (1 of 4 stars; one submission).

Submission:

Labcorp Genetics (formerly Invitae), Labcorp
Classification: Uncertain significance. Last evaluated: 2022-07-30. Review status: criteria provided, single submitter. Criteria: Invitae Variant Classification Sherloc (09022015). Collection method: clinical testing. Allele origin: germline.
Comment: In summary, the available evidence is currently insufficient to determine the role of this variant in disease. Therefore, it has been classified as a Variant of Uncertain Significance. This variant is not present in population databases (gnomAD no frequency). This variant has not been reported in the literature in individuals affected with STUB1-related conditions. Algorithms developed to predict the effect of missense changes on protein structure and function are either unavailable or do not agree on the potential impact of this missense change (SIFT: "Deleterious"; PolyPhen-2: "Probably Damaging"; Align-GVGD: "Class C15"). This sequence change replaces glycine, which is neutral and non-polar, with glutamic acid, which is acidic and polar, at codon 132 of the STUB1 protein (p.Gly132Glu).